The following is an entry in ClinVar:

ClinVar aggregate classification (germline): Uncertain significance. Review status: criteria provided, multiple submitters, no conflicts (2 of 4 stars). 2 submissions from 2 submitters: Uncertain significance (2). Last evaluated 2025-07-09.

Conditions:
Cardiomyopathy (CMYO). Also called: Cardiomyopathies. Identifiers: Orphanet 167848, MedGen C0878544, MONDO:0004994, HP:0001638. Inheritance: Various modes of inheritance.
Catecholaminergic polymorphic ventricular tachycardia (CVPT). Also called: Catecholamine-induced polymorphic ventricular tachycardia. Identifiers: Orphanet 3286, MedGen C5574922, MONDO:0017990.

gnomAD v4.1: 1 of 1,600,870 alleles (0.000062%); highest among the groups gnomAD compares: Non-Finnish European, 0.000086%; no homozygotes.

Submissions (2):

Color Diagnostics, LLC DBA Color Health
Classification: Uncertain significance for Cardiomyopathy. Last evaluated: 2025-07-09. Review status: criteria provided, single submitter. Criteria: ACMG Guidelines, 2015. Collection method: clinical testing. Allele origin: germline.
Comment: This variant changes 1 nucleotide in exon 88 of the RYR2 gene, creating a premature translation stop signal. This variant is expected to result in an absent or non-functional protein product. To our knowledge, this variant has not been reported in individuals affected with RYR2-related disorders in the literature. This variant has not been identified in the general population by the Genome Aggregation Database (gnomAD). Clinical relevance of loss-of-function RYR2 truncation variants in autosomal dominant cardiovascular disorders is not clearly established. The available evidence is insufficient to determine the role of this variant in disease conclusively. Therefore, this variant is classified as a Variant of Uncertain Significance.

All of Us Research Program, National Institutes of Health
Classification: Uncertain significance for Catecholaminergic polymorphic ventricular tachycardia. Last evaluated: 2024-08-06. Review status: criteria provided, single submitter. Criteria: ACMG Guidelines, 2015. Collection method: clinical testing. Allele origin: germline. Inheritance: Autosomal dominant inheritance. Observed: 1 variant allele, 1 heterozygote.
Comment: This study involves interpretation of variants in research participants for the purpose of population health screening. Participant phenotype was not available at the time of variant classification. Additional details can be found in publication PMID: 35346344, PMCID: PMC8962531

NM_001035.3(RYR2):c.11863C>T (p.Gln3955Ter)

Gene: RYR2 (ryanodine receptor 2; plus strand). Cytogenetic location: 1q43.
Variant type: single nucleotide variant.
Coding change: c.11863C>T on transcript NM_001035.3 (MANE Select); coding-DNA position 11863, C replaced by T.
Protein change: p.Gln3955Ter; replaces glutamine 3955 with a stop codon.
Molecular consequence: nonsense.
Genome position (GRCh38, 1-based): chr1:237,778,753, C>T. VCF-style: chr1-237778753-C-T. GRCh37 (hg19) VCF-style: chr1-237942053-C-T.
Other names: short protein forms Q3955*.
Identifiers: ClinVar variation 3385849 (VCV003385849.2).